The following is an entry in ClinVar:

ClinVar aggregate classification (germline): Pathogenic (1 of 4 stars; one submission).

Submission:

Labcorp Genetics (formerly Invitae), Labcorp
Classification: Pathogenic. Last evaluated: 2025-04-17. Review status: criteria provided, single submitter. Criteria: Invitae Variant Classification Sherloc (09022015). Collection method: clinical testing. Allele origin: germline.
Comment: This sequence change affects a donor splice site in intron 11 of the GNAS gene. It is expected to disrupt RNA splicing. Variants that disrupt the donor or acceptor splice site typically lead to a loss of protein function (PMID: 16199547), and loss-of-function variants in GNAS are known to be pathogenic (PMID: 11784876, 23281139, 23796510, 25802881). This variant is not present in population databases (gnomAD no frequency). Disruption of this splice site has been observed in individual(s) with GNAS-related conditions (PMID: 31696922). In at least one individual the variant was observed to be de novo. Algorithms developed to predict the effect of sequence changes on RNA splicing suggest that this variant may disrupt the consensus splice site. For these reasons, this variant has been classified as Pathogenic.

Literature cited by the submitters: PubMed 16199547; PubMed 11784876; PubMed 23281139; PubMed 23796510; PubMed 25802881; PubMed 31696922.

NM_000516.7(GNAS):c.970+1G>T

Gene: GNAS (GNAS complex locus; plus strand). Cytogenetic location: 20q13.32.
Variant type: single nucleotide variant.
Coding change: c.970+1G>T on transcript NM_000516.7 (MANE Select); the canonical splice donor site of the intron after coding-DNA position 970, G replaced by T.
Molecular consequence: splice donor variant.
Genome position (GRCh38, 1-based): chr20:58,910,082, G>T. VCF-style: chr20-58910082-G-T. GRCh37 (hg19) VCF-style: chr20-57485137-G-T.
Other names: c.*876+1G>T (NM_016592.5); c.874+1G>T (NM_001410912.1); c.793+1G>T (NM_001309861.2, NM_001439291.1, NM_001309840.2 and 1 more transcripts); c.*831+1G>T (NM_001077490.3); c.2899+1G>T (NM_080425.4); c.2854+1G>T (NM_001410913.1); c.748+1G>T (NM_001438273.1, NM_001438274.1, NM_001438275.1); c.973+1G>T (NM_001077488.5); and 2 more.
Identifiers: ClinVar variation 4717827 (VCV004717827.1).